The following is an entry in ClinVar:

NM_001122955.4(BSCL2):c.224T>C (p.Leu75Pro)

Genes: BSCL2 (BSCL2 lipid droplet biogenesis associated, seipin; minus strand), HNRNPUL2-BSCL2 (HNRNPUL2-BSCL2 readthrough (NMD candidate); minus strand). Cytogenetic location: 11q12.3.
Variant type: single nucleotide variant.
Coding change: c.224T>C on transcript NM_001122955.4 (MANE Select); coding-DNA position 224, T replaced by C.
Protein change: p.Leu75Pro; replaces leucine 75 with proline.
Molecular consequence: missense variant. On other transcripts: non-coding transcript variant (1).
Genome position (GRCh38, 1-based): chr11:62,705,481, A>G on the plus strand (T>C on the coding strand, the complement: BSCL2 is on the minus strand). VCF-style: chr11-62705481-A-G. GRCh37 (hg19) VCF-style: chr11-62472953-A-G.
Other names: c.32T>C, p.Leu11Pro (NM_001130702.2, NM_032667.6); c.224T>C, p.Leu75Pro (NM_001386027.1, NM_001386028.1); short protein forms L11P, L75P.
Identifiers: ClinVar variation 3599936 (VCV003599936.3).

ClinVar aggregate classification (germline): Uncertain significance. Review status: criteria provided, multiple submitters, no conflicts (2 of 4 stars). 2 submissions from 2 submitters: Uncertain significance (2). Last evaluated 2025-03-01.

Conditions:
Congenital generalized lipodystrophy type 2 (CGL2). Also called: BERARDINELLI SYNDROME; BRUNZELL SYNDROME, BSCL2-RELATED; SEIP SYNDROME; Berardinelli-Seip Congenital Lipodystrophy Type 2. Identifiers: Orphanet 528, Orphanet 696289, MedGen C1720863, MONDO:0010020, OMIM 269700.
Severe neurodegenerative syndrome with lipodystrophy. Also called: ENCEPHALOPATHY, PROGRESSIVE, WITH LIPODYSTROPHY; Encephalopathy, progressive, with or without lipodystrophy. Identifiers: Orphanet 363400, MedGen C4014700, MONDO:0014402, OMIM 615924.
Neuronopathy, distal hereditary motor, type 5C. Also called: DHMN VC; NEURONOPATHY, DISTAL HEREDITARY MOTOR, AUTOSOMAL DOMINANT 13; NEURONOPATHY, DISTAL HEREDITARY MOTOR, HARDING TYPE VC; NEUROPATHY, DISTAL HEREDITARY MOTOR, HARDING TYPE VC; SPINAL MUSCULAR ATROPHY, DISTAL, HARDING TYPE VC. Identifiers: MedGen C5436838, MONDO:0030860, OMIM 619112.
Hereditary spastic paraplegia 17. Also called: Silver spastic paraplegia syndrome; Spastic Paraplegia 17; Autosomal dominant spastic paraplegia type 17; Silver Syndrome; SPASTIC PARAPLEGIA WITH AMYOTROPHY OF HANDS AND FEET. Identifiers: Orphanet 100998, MedGen C2931276, MONDO:0010043, OMIM 270685.
Charcot-Marie-Tooth disease type 2. Also called: Charcot-Marie-Tooth type 2. Identifiers: Orphanet 64746, MedGen C0270914, MONDO:0018993.

gnomAD v4.1: 4 of 1,614,070 alleles (0.00025%); highest among the groups gnomAD compares: Non-Finnish European, 0.00025%; no homozygotes.

Submissions (2):

Labcorp Genetics (formerly Invitae), Labcorp
Classification: Uncertain significance for Charcot-Marie-Tooth disease type 2. Last evaluated: 2025-03-01. Review status: criteria provided, single submitter. Criteria: Invitae Variant Classification Sherloc (09022015). Collection method: clinical testing. Allele origin: germline.
Comment: This sequence change replaces leucine, which is neutral and non-polar, with proline, which is neutral and non-polar, at codon 11 of the BSCL2 protein (p.Leu11Pro). This variant is present in population databases (rs759201886, gnomAD 0.0009%). This variant has not been reported in the literature in individuals affected with BSCL2-related conditions. ClinVar contains an entry for this variant (Variation ID: 3599936). Invitae Evidence Modeling of protein sequence and biophysical properties (such as structural, functional, and spatial information, amino acid conservation, physicochemical variation, residue mobility, and thermodynamic stability) indicates that this missense variant is not expected to disrupt BSCL2 protein function with a negative predictive value of 80%. In summary, the available evidence is currently insufficient to determine the role of this variant in disease. Therefore, it has been classified as a Variant of Uncertain Significance.

Fulgent Genetics
Classification: Uncertain significance for Congenital generalized lipodystrophy type 2; Hereditary spastic paraplegia 17; Severe neurodegenerative syndrome with lipodystrophy; Neuronopathy, distal hereditary motor, type 5C. Last evaluated: 2024-03-18. Review status: criteria provided, single submitter. Criteria: ACMG Guidelines, 2015. Collection method: clinical testing. Allele origin: germline.